The following is an entry in ClinVar:

NM_001035.3(RYR2):c.295-8C>T

Gene: RYR2 (ryanodine receptor 2; plus strand). Cytogenetic location: 1q43.
Variant type: single nucleotide variant.
Coding change: c.295-8C>T on transcript NM_001035.3 (MANE Select); 8 bases into the intron before coding-DNA position 295, C replaced by T.
Molecular consequence: intron variant.
Genome position (GRCh38, 1-based): chr1:237,364,350, C>T. VCF-style: chr1-237364350-C-T. GRCh37 (hg19) VCF-style: chr1-237527650-C-T.
Other names: c.295-8C>T (LRG_402t1).
Identifiers: ClinVar variation 463592 (VCV000463592.13), dbSNP rs764545272, ClinGen allele CA086253.

ClinVar aggregate classification (germline): Likely benign. Review status: criteria provided, multiple submitters, no conflicts (2 of 4 stars). 3 submissions from 3 submitters: Likely benign (3). Last evaluated 2025-07-09.

Conditions:
Catecholaminergic polymorphic ventricular tachycardia (CVPT). Also called: Catecholamine-induced polymorphic ventricular tachycardia. Identifiers: Orphanet 3286, MedGen C5574922, MONDO:0017990.
Cardiomyopathy (CMYO). Also called: Cardiomyopathies. Identifiers: Orphanet 167848, MedGen C0878544, MONDO:0004994, HP:0001638. Inheritance: Various modes of inheritance.
Catecholaminergic polymorphic ventricular tachycardia 1. Also called: VENTRICULAR TACHYCARDIA, STRESS-INDUCED POLYMORPHIC 1; VENTRICULAR TACHYCARDIA, CATECHOLAMINERGIC POLYMORPHIC, 1, WITH OR WITHOUT ATRIAL DYSFUNCTION AND/OR DILATED CARDIOMYOPATHY; RYR2-Related Catecholaminergic Polymorphic Ventricular Tachycardia. Identifiers: Orphanet 3286, MedGen C1631597, MONDO:0011484, OMIM 604772.

Allele frequency attached by ClinVar (database versions not stated): gnomAD 0.00001; gnomAD exomes 0.00001; TOPMed 0.00001; ExAC 0.00002.
gnomAD v4.1: 16 of 1,574,102 alleles (0.001%); highest among the groups gnomAD compares: Non-Finnish European, 0.0014%; no homozygotes.

Submissions (3):

Labcorp Genetics (formerly Invitae), Labcorp
Classification: Likely benign for Catecholaminergic polymorphic ventricular tachycardia 1. Last evaluated: 2025-07-09. Review status: criteria provided, single submitter. Criteria: Invitae Variant Classification Sherloc (09022015). Collection method: clinical testing. Allele origin: germline.

All of Us Research Program, National Institutes of Health
Classification: Likely benign for Catecholaminergic polymorphic ventricular tachycardia. Last evaluated: 2023-05-08. Review status: criteria provided, single submitter. Criteria: ACMG Guidelines, 2015. Collection method: clinical testing. Allele origin: germline. Inheritance: Autosomal dominant inheritance. Observed: 2 variant alleles, 2 heterozygotes.
Comment: This study involves interpretation of variants in research participants for the purpose of population health screening. Participant phenotype was not available at the time of variant classification. Additional details can be found in publication PMID: 35346344, PMCID: PMC8962531

Color Diagnostics, LLC DBA Color Health
Classification: Likely benign for Cardiomyopathy. Last evaluated: 2020-02-18. Review status: criteria provided, single submitter. Criteria: ACMG Guidelines, 2015. Collection method: clinical testing. Allele origin: germline.